The following is an entry in ClinVar:

ClinVar aggregate classification (germline): Uncertain significance (1 of 4 stars; one submission).

Conditions:
Inborn genetic diseases. Identifiers: MedGen C0950123, MeSH D030342.

Allele frequency attached by ClinVar (database versions not stated): gnomAD exomes below 0.00001.
gnomAD v4.1: 1 of 1,611,442 alleles (0.000062%); highest among the groups gnomAD compares: Non-Finnish European, 0.000085%; no homozygotes.

Submission:

Ambry Genetics
Classification: Uncertain significance for Inborn genetic diseases. Last evaluated: 2022-07-27. Review status: criteria provided, single submitter. Criteria: Ambry Variant Classification Scheme 2023. Collection method: clinical testing. Allele origin: germline.
Comment: The p.K2310R variant (also known as c.6929A>G), located in coding exon 41 of the ATR gene, results from an A to G substitution at nucleotide position 6929. The lysine at codon 2310 is replaced by arginine, an amino acid with highly similar properties. This amino acid position is conserved. In addition, the in silico prediction for this alteration is inconclusive. Since supporting evidence is limited at this time, the clinical significance of this alteration remains unclear.

NM_001184.4(ATR):c.6929A>G (p.Lys2310Arg)

Gene: ATR (ATR checkpoint kinase; minus strand). Cytogenetic location: 3q23.
Variant type: single nucleotide variant.
Coding change: c.6929A>G on transcript NM_001184.4 (MANE Select); coding-DNA position 6929, A replaced by G.
Protein change: p.Lys2310Arg; replaces lysine 2310 with arginine.
Molecular consequence: missense variant.
Genome position (GRCh38, 1-based): chr3:142,465,209, T>C on the plus strand (A>G on the coding strand, the complement: ATR is on the minus strand). VCF-style: chr3-142465209-T-C. GRCh37 (hg19) VCF-style: chr3-142184051-T-C.
Other names: c.6737A>G, p.Lys2246Arg (NM_001354579.2); short protein forms K2246R, K2310R.
Identifiers: ClinVar variation 1756189 (VCV001756189.2), dbSNP rs2108271332, ClinGen allele CA354800770.